The following is an entry in ClinVar:

ClinVar aggregate classification (germline): Uncertain significance (1 of 4 stars; one submission).

Conditions:
Familial cancer of breast. Also called: Hereditary breast cancer; BREAST CANCER, FAMILIAL; hereditary breast carcinoma. Identifiers: Orphanet 227535, MedGen C0346153, MONDO:0016419, OMIM 114480. Disease mechanism: loss of function.

Submission:

MGZ Medical Genetics Center
Classification: Uncertain significance for Familial cancer of breast. Last evaluated: 2022-04-11. Review status: criteria provided, single submitter. Criteria: ACMG Guidelines, 2015. Collection method: clinical testing. Allele origin: germline. Affected: yes. Observed: 1 variant allele.
Comment: ACMG criteria applied: PM2_SUP, BP4

NM_000051.4(ATM):c.937T>C (p.Tyr313His)

Gene: ATM (ATM serine/threonine kinase; plus strand). Cytogenetic location: 11q22.3.
Variant type: single nucleotide variant.
Coding change: c.937T>C on transcript NM_000051.4 (MANE Select); coding-DNA position 937, T replaced by C.
Protein change: p.Tyr313His; replaces tyrosine 313 with histidine.
Molecular consequence: missense variant.
Genome position (GRCh38, 1-based): chr11:108,246,999, T>C. VCF-style: chr11-108246999-T-C. GRCh37 (hg19) VCF-style: chr11-108117726-T-C.
Other names: c.937T>C, p.Tyr313His (NM_001351834.2); short protein forms Y313H.
Identifiers: ClinVar variation 1709417 (VCV001709417.2), dbSNP rs2135265501, ClinGen allele CA382530737.